The following is an entry in ClinVar:

NM_004539.4(NARS1):c.632C>A (p.Ala211Asp)

Gene: NARS1 (asparaginyl-tRNA synthetase 1; minus strand). Cytogenetic location: 18q21.31.
Variant type: single nucleotide variant.
Coding change: c.632C>A on transcript NM_004539.4 (MANE Select); coding-DNA position 632, C replaced by A.
Protein change: p.Ala211Asp; replaces alanine 211 with aspartic acid.
Molecular consequence: missense variant.
Genome position (GRCh38, 1-based): chr18:57,607,613, G>T on the plus strand (C>A on the coding strand, the complement: NARS1 is on the minus strand). VCF-style: chr18-57607613-G-T. GRCh37 (hg19) VCF-style: chr18-55274845-G-T.
Other names: short protein forms A211D.
Identifiers: ClinVar variation 3731122 (VCV003731122.1).

ClinVar aggregate classification (germline): Uncertain significance (1 of 4 stars; one submission).

gnomAD v4.1: 4 of 1,614,074 alleles (0.00025%); highest among the groups gnomAD compares: South Asian, 0.0033%; no homozygotes.

Submission:

GeneDx
Classification: Uncertain significance. Last evaluated: 2024-08-14. Review status: criteria provided, single submitter. Criteria: GeneDx Variant Classification Process June 2021. Collection method: clinical testing. Allele origin: germline. Affected: yes.
Comment: Not observed at significant frequency in large population cohorts (gnomAD); In silico analysis supports that this missense variant has a deleterious effect on protein structure/function; Has not been previously published as pathogenic or benign to our knowledge